The following is an entry in ClinVar:

ClinVar aggregate classification (germline): Uncertain significance. Review status: criteria provided, multiple submitters, no conflicts (2 of 4 stars). 2 submissions from 2 submitters: Uncertain significance (2). Last evaluated 2022-03-25.

Conditions:
Weill-Marchesani 4 syndrome, recessive. Also called: Weill-Marchesani syndrome 4. Identifiers: Orphanet 363992, MedGen C2750787, MONDO:0013176, OMIM 613195.

Allele frequency attached by ClinVar (database versions not stated): TOPMed below 0.00001; ExAC 0.00001; gnomAD exomes 0.00005.
gnomAD v4.1: 69 of 1,614,138 alleles (0.0043%); highest among the groups gnomAD compares: Non-Finnish European, 0.0058%; no homozygotes.

Submissions (2):

Labcorp Genetics (formerly Invitae), Labcorp
Classification: Uncertain significance. Last evaluated: 2022-03-25. Review status: criteria provided, single submitter. Criteria: Invitae Variant Classification Sherloc (09022015). Collection method: clinical testing. Allele origin: germline.
Comment: In summary, the available evidence is currently insufficient to determine the role of this variant in disease. Therefore, it has been classified as a Variant of Uncertain Significance. Variants that disrupt the consensus splice site are a relatively common cause of aberrant splicing (PMID: 17576681, 9536098). Algorithms developed to predict the effect of sequence changes on RNA splicing suggest that this variant may disrupt the consensus splice site. This variant has not been reported in the literature in individuals affected with ADAMTS17-related conditions. This variant is present in population databases (rs768846896, gnomAD 0.0009%). This sequence change falls in intron 16 of the ADAMTS17 gene. It does not directly change the encoded amino acid sequence of the ADAMTS17 protein. It affects a nucleotide within the consensus splice site.

Illumina Laboratory Services, Illumina
Classification: Uncertain significance for Weill-Marchesani 4 syndrome, recessive. Last evaluated: 2019-11-20. Review status: criteria provided, single submitter. Criteria: ICSLVariantClassificationCriteria RUGD 01 April 2020. Collection method: clinical testing. Allele origin: unknown.
Comment: The ADAMTS17 c.2295+3A>G variant occurs in a splice region. To our knowledge, this variant has not been reported in the peer-reviewed literature. The highest frequency of this allele in the Genome Aggregation Database is 0.000061 in the European (non-Finnish) population (version 4.0.0). Based on the evidence, the c.2295+3A>G variant is classified as a variant of uncertain significance for Weill-Marchesani syndrome.

Literature cited by the submitters: PubMed 17576681 (cited by Labcorp Genetics (formerly Invitae), Labcorp); PubMed 9536098 (cited by Labcorp Genetics (formerly Invitae), Labcorp).

NM_139057.4(ADAMTS17):c.2295+3A>G

Gene: ADAMTS17 (ADAM metallopeptidase with thrombospondin type 1 motif 17; minus strand). Cytogenetic location: 15q26.3.
Variant type: single nucleotide variant.
Coding change: c.2295+3A>G on transcript NM_139057.4 (MANE Select); 3 bases into the intron after coding-DNA position 2295, A replaced by G.
Molecular consequence: intron variant.
Genome position (GRCh38, 1-based): chr15:100,053,894, T>C on the plus strand (A>G on the coding strand, the complement: ADAMTS17 is on the minus strand). VCF-style: chr15-100053894-T-C. GRCh37 (hg19) VCF-style: chr15-100594099-T-C.
Identifiers: ClinVar variation 2153913 (VCV002153913.3), dbSNP rs768846896, ClinGen allele CA7757805.
Genomic context (GRCh38, chr15:100,053,894, plus strand): 5'-GTAACCTAGTAGACCTCTCGGAGCCACACCCCCTAAGACAAGTGTGGAAGCCCAGCAAGT[T>C]ACCATCAAGTGCAGCGGTAGTTTGGTTGGTCCCTTGGCAGAGATCTTCTCCCACAGCCCC-3'